The following is an entry in ClinVar:

ClinVar aggregate classification (germline): Uncertain significance (1 of 4 stars; one submission).

Conditions:
Werner syndrome (WRN). Identifiers: Orphanet 902, MedGen C0043119, MONDO:0010196, OMIM 277700.

Allele frequency attached by ClinVar (database versions not stated): gnomAD exomes below 0.00001.
gnomAD v4.1: 1 of 1,613,900 alleles (0.000062%); highest among the groups gnomAD compares: African/African-American, 0.0013%; no homozygotes.

Submission:

Labcorp Genetics (formerly Invitae), Labcorp
Classification: Uncertain significance for Werner syndrome. Last evaluated: 2023-01-10. Review status: criteria provided, single submitter. Criteria: Invitae Variant Classification Sherloc (09022015). Collection method: clinical testing. Allele origin: germline.
Comment: In summary, the available evidence is currently insufficient to determine the role of this variant in disease. Therefore, it has been classified as a Variant of Uncertain Significance. Algorithms developed to predict the effect of missense changes on protein structure and function output the following: SIFT: "Not Available"; PolyPhen-2: "Benign"; Align-GVGD: "Not Available". The serine amino acid residue is found in multiple mammalian species, which suggests that this missense change does not adversely affect protein function. This variant has not been reported in the literature in individuals affected with WRN-related conditions. This variant is not present in population databases (gnomAD no frequency). This sequence change replaces glycine, which is neutral and non-polar, with serine, which is neutral and polar, at codon 186 of the WRN protein (p.Gly186Ser).

NM_000553.6(WRN):c.556G>A (p.Gly186Ser)

Gene: WRN (WRN RecQ like helicase; plus strand). Cytogenetic location: 8p12.
Variant type: single nucleotide variant.
Coding change: c.556G>A on transcript NM_000553.6 (MANE Select); coding-DNA position 556, G replaced by A.
Protein change: p.Gly186Ser; replaces glycine 186 with serine.
Molecular consequence: missense variant.
Genome position (GRCh38, 1-based): chr8:31,067,084, G>A. VCF-style: chr8-31067084-G-A. GRCh37 (hg19) VCF-style: chr8-30924600-G-A.
Other names: short protein forms G186S.
Identifiers: ClinVar variation 2717443 (VCV002717443.3), dbSNP rs2535887165, ClinGen allele CA370916027.